The following is an entry in ClinVar:

ClinVar aggregate classification (germline): conflicting data from submitters (0 of 4 stars; one submission).

Submission:

ISCA site 4
Classification: conflicting data from submitters. Last evaluated: 2012-09-21. Review status: no assertion criteria provided. Collection method: clinical testing. Allele origin: paternal, unknown. Affected: yes. Observed: 3 variant alleles. Clinical features observed: Poor coordination (HP:0002370), Intellectual disability (HP:0001249), Developmental delay AND/OR other significant developmental or morphological phenotypes.
Comment: Uncertain significance(1), Likely benign (2)

Copy number variation identified through the course of routine clinical cytogenomic testing in postnatal populations, with clinical assertions as classified by the original submitter.

GRCh38/hg38 Xp11.3(chrX:47470810-47475689)x1

Gene: ZNF41 (zinc finger protein 41; minus strand). Cytogenetic location: Xp11.3.
Variant type: copy number loss.
Change: copy number 1 of chrX:47,470,810-47,475,689 (4.9 kb, GRCh38 coordinates, 1-based), cytogenetic band Xp11.3.
Identifiers: ClinVar variation 145448 (VCV000145448.2).